The following is an entry in ClinVar:

NM_001365480.1(CCDC88A):c.4646G>C (p.Arg1549Thr)

Gene: CCDC88A (coiled-coil domain containing 88A; minus strand). Cytogenetic location: 2p16.1.
Variant type: single nucleotide variant.
Coding change: c.4646G>C on transcript NM_001365480.1 (MANE Select); coding-DNA position 4646, G replaced by C.
Protein change: p.Arg1549Thr; replaces arginine 1549 with threonine.
Molecular consequence: missense variant.
Genome position (GRCh38, 1-based): chr2:55,301,898, C>G on the plus strand (G>C on the coding strand, the complement: CCDC88A is on the minus strand). VCF-style: chr2-55301898-C-G. GRCh37 (hg19) VCF-style: chr2-55529034-C-G.
Other names: c.4643G>C, p.Arg1548Thr (NM_001135597.2, NM_001254943.2); c.4562G>C, p.Arg1521Thr (NM_018084.5); short protein forms R1521T, R1548T, R1549T.
Identifiers: ClinVar variation 1513135 (VCV001513135.3), dbSNP rs371689075, ClinGen allele CA1665535.

ClinVar aggregate classification (germline): Uncertain significance (1 of 4 stars; one submission).

Allele frequency attached by ClinVar (database versions not stated): gnomAD exomes below 0.00001 and 0.00003; ExAC 0.00001; gnomAD 0.00001 and 0.00002; TOPMed 0.00002; ESP Exome Variant Server 0.00008.
gnomAD v4.1: 46 of 1,614,034 alleles (0.0029%); highest among the groups gnomAD compares: Non-Finnish European, 0.0039%; no homozygotes.

Submission:

Labcorp Genetics (formerly Invitae), Labcorp
Classification: Uncertain significance. Last evaluated: 2021-10-22. Review status: criteria provided, single submitter. Criteria: Invitae Variant Classification Sherloc (09022015). Collection method: clinical testing. Allele origin: germline.
Comment: This sequence change replaces arginine with threonine at codon 1548 of the CCDC88A protein (p.Arg1548Thr). The arginine residue is moderately conserved and there is a moderate physicochemical difference between arginine and threonine. This variant is present in population databases (rs371689075, ExAC 0.002%). This variant has not been reported in the literature in individuals with CCDC88A-related conditions. Algorithms developed to predict the effect of missense changes on protein structure and function are either unavailable or do not agree on the potential impact of this missense change (SIFT: "Tolerated"; PolyPhen-2: "Probably Damaging"; Align-GVGD: "Class C0"). In summary, the available evidence is currently insufficient to determine the role of this variant in disease. Therefore, it has been classified as a Variant of Uncertain Significance.